The following is an entry in ClinVar:

ClinVar aggregate classification (germline): Benign/Likely benign. Review status: criteria provided, multiple submitters, no conflicts (2 of 4 stars). 5 submissions from 5 submitters: Benign (1); Likely benign (4). Last evaluated 2026-08-19.

Conditions:
Hereditary cancer-predisposing syndrome. Also called: Tumor predisposition; Neoplastic Syndromes, Hereditary; Hereditary Cancer Syndrome; Hereditary neoplastic syndrome. Identifiers: Orphanet 140162, MedGen C0027672, MeSH D009386, MONDO:0015356.
DICER1-related tumor predisposition. Also called: DICER1 syndrome; DICER1-related pleuropulmonary blastoma cancer predisposition syndrome. Identifiers: Orphanet 284343, MedGen C3839822, MONDO:0100216.

Allele frequency attached by ClinVar (database versions not stated): gnomAD exomes below 0.00001.
gnomAD v4.1: 2 of 1,614,194 alleles (0.00012%); highest among the groups gnomAD compares: Non-Finnish European, 0.00017%; no homozygotes.

Submissions (5):

Myriad Genetics, Inc.
Classification: Benign for DICER1-related tumor predisposition. Last evaluated: 2026-08-19. Review status: criteria provided, single submitter. Criteria: Myriad Autosomal Dominant, Autosomal Recessive and X-Linked Classification Criteria (2023). Collection method: clinical testing. Allele origin: unknown.
Comment: This variant is considered benign. This variant is a silent/synonymous amino acid change and it is not expected to impact splicing.

Center for Genomic Medicine, Rigshospitalet, Copenhagen University Hospital
Classification: Likely benign. Last evaluated: 2025-03-04. Review status: criteria provided, single submitter. Criteria: ACMG Guidelines, 2015. Collection method: clinical testing. Allele origin: germline.

Blueprint Genetics
Classification: Likely benign. Last evaluated: 2024-02-21. Review status: criteria provided, single submitter. Criteria: ACMG Guidelines, 2015. Collection method: clinical testing. Allele origin: germline.

Labcorp Genetics (formerly Invitae), Labcorp
Classification: Likely benign for DICER1-related tumor predisposition. Last evaluated: 2023-12-06. Review status: criteria provided, single submitter. Criteria: Invitae Variant Classification Sherloc (09022015). Collection method: clinical testing. Allele origin: germline.

Ambry Genetics
Classification: Likely benign for Hereditary cancer-predisposing syndrome. Last evaluated: 2021-05-17. Review status: criteria provided, single submitter. Criteria: Ambry Variant Classification Scheme 2023. Collection method: clinical testing. Allele origin: germline.

NM_177438.3(DICER1):c.5706T>C (p.Ser1902=)

Gene: DICER1 (dicer 1, ribonuclease III; minus strand). Cytogenetic location: 14q32.13.
Variant type: single nucleotide variant.
Coding change: c.5706T>C on transcript NM_177438.3 (MANE Select); coding-DNA position 5706, T replaced by C.
Protein change: p.Ser1902=; no amino-acid change (serine 1902 retained).
Molecular consequence: synonymous variant. On other transcripts: 3 prime UTR variant (1).
Genome position (GRCh38, 1-based): chr14:95,090,561, A>G on the plus strand (T>C on the coding strand, the complement: DICER1 is on the minus strand). VCF-style: chr14-95090561-A-G. GRCh37 (hg19) VCF-style: chr14-95556898-A-G.
Other names: c.*53T>C (NM_001195573.1); c.5706T>C, p.Ser1902= (NM_001271282.3, NM_001291628.2, NM_030621.4).
Identifiers: ClinVar variation 477268 (VCV000477268.15), dbSNP rs1555365987, ClinGen allele CA487625469.
Genomic context (GRCh38, chr14:95,090,561, plus strand): 5'-GCTATTGGGAACCTGAGGTTGATTAGCTTTGAGGCTTCGGAGGGCTCTTCTTGCTGCTGC[A>G]GATTTGGCAATCCTGTAACTTCGACCAACACCTTTAAATTTCCCCTTTCCTACTACTTCC-3'
Protein context (NP_803187.1, residues 1892-1912): GVGRSYRIAK[Ser1902=]AAARRALRSL